The following is an entry in ClinVar:

NM_002224.4(ITPR3):c.4195G>A (p.Val1399Met)

Gene: ITPR3 (inositol 1,4,5-trisphosphate receptor type 3; plus strand). Cytogenetic location: 6p21.31.
Variant type: single nucleotide variant.
Coding change: c.4195G>A on transcript NM_002224.4 (MANE Select); coding-DNA position 4195, G replaced by A.
Protein change: p.Val1399Met; replaces valine 1399 with methionine.
Molecular consequence: missense variant.
Genome position (GRCh38, 1-based): chr6:33,680,104, G>A. VCF-style: chr6-33680104-G-A. GRCh37 (hg19) VCF-style: chr6-33647881-G-A.
Other names: short protein forms V1399M.
Identifiers: ClinVar variation 4881229 (VCV004881229.2).

ClinVar aggregate classification (germline): Uncertain significance (1 of 4 stars; one submission).

gnomAD v4.1: 2 of 1,613,656 alleles (0.00012%); highest among the groups gnomAD compares: Non-Finnish European, 0.00017%; no homozygotes.

Submission:

Dasa
Classification: Uncertain significance. Last evaluated: 2025-04-17. Review status: criteria provided, single submitter. Criteria: DASA Assertion Criteria. Collection method: clinical testing. Allele origin: germline.
Comment: NM_002224.4(ITPR3):c.4195G>A (p.Val1399Met) is a missense variant that results in the substitution of valine with methionine. This variant is rare in population databases. The currently available literature and clinical evidence are not sufficient to establish a definitive association between this variant and the reported condition. Therefore, this variant is classified as a variant of uncertain significance.